The following is an entry in ClinVar:

NM_006947.4(SRP72):c.1160G>A (p.Gly387Asp)

Gene: SRP72 (signal recognition particle 72; plus strand). Cytogenetic location: 4q12.
Variant type: single nucleotide variant.
Coding change: c.1160G>A on transcript NM_006947.4 (MANE Select); coding-DNA position 1160, G replaced by A.
Protein change: p.Gly387Asp; replaces glycine 387 with aspartic acid.
Molecular consequence: missense variant. On other transcripts: non-coding transcript variant (1).
Genome position (GRCh38, 1-based): chr4:56,487,949, G>A. VCF-style: chr4-56487949-G-A. GRCh37 (hg19) VCF-style: chr4-57354115-G-A.
Other names: c.977G>A, p.Gly326Asp (NM_001267722.2); short protein forms G326D, G387D.
Identifiers: ClinVar variation 3801490 (VCV003801490.1).

ClinVar aggregate classification (germline): Uncertain significance (1 of 4 stars; one submission).

gnomAD v4.1: 1 of 1,593,838 alleles (0.000063%); highest among the groups gnomAD compares: Non-Finnish European, 0.000085%; no homozygotes.

Submission:

Ambry Genetics
Classification: Uncertain significance. Last evaluated: 2025-02-16. Review status: criteria provided, single submitter. Criteria: Ambry Variant Classification Scheme 2023. Collection method: clinical testing. Allele origin: germline.
Comment: The p.G387D variant (also known as c.1160G>A) is located in coding exon 12 of the SRP72 gene. The glycine at codon 387 is replaced by aspartic acid, an amino acid with similar properties. This change occurs in the first base pair of coding exon 12. This amino acid position is conserved. In addition, the in silico prediction for this alteration is inconclusive. Based on the available evidence, the clinical significance of this variant remains unclear.